The following is an entry in ClinVar:

NM_023036.6(DNAI2):c.1193C>A (p.Ser398Ter)

Gene: DNAI2 (dynein axonemal intermediate chain 2; plus strand). Cytogenetic location: 17q25.1.
Variant type: single nucleotide variant.
Coding change: c.1193C>A on transcript NM_023036.6 (MANE Select); coding-DNA position 1193, C replaced by A.
Protein change: p.Ser398Ter; replaces serine 398 with a stop codon.
Molecular consequence: nonsense. On other transcripts: non-coding transcript variant (1).
Genome position (GRCh38, 1-based): chr17:74,305,424, C>A. VCF-style: chr17-74305424-C-A. GRCh37 (hg19) VCF-style: chr17-72301563-C-A.
Other names: c.1193C>A, p.Ser398Ter (NM_001172810.3, NM_001353167.2); short protein forms S398*.
Identifiers: ClinVar variation 5012421 (VCV005012421.1).

ClinVar aggregate classification (germline): Pathogenic (1 of 4 stars; one submission).

Conditions:
Primary ciliary dyskinesia 9. Also called: CILIARY DYSKINESIA, PRIMARY, 9, WITH OR WITHOUT SITUS INVERSUS. Identifiers: Orphanet 244, MedGen C2676235, MONDO:0012906, OMIM 612444.

Submission:

Myriad Genetics, Inc.
Classification: Pathogenic for Primary ciliary dyskinesia 9. Last evaluated: 2023-10-25. Review status: criteria provided, single submitter. Criteria: Myriad Autosomal Dominant, Autosomal Recessive and X-Linked Classification Criteria (2023). Collection method: clinical testing. Allele origin: unknown.
Comment: NM_023036.4(DNAI2):c.1193C>A(S398*) is expected to be pathogenic in the context of primary ciliary dyskinesia, DNAI2-related. This variant is predicted to lead to an abnormal or absent protein product due to the creation of a premature termination codon in DNAI2, a gene where loss-of-function variants are known to be pathogenic. Please note: this variant was assessed in the context of healthy population screening.